The following is an entry in ClinVar:

NM_000501.4(ELN):c.1723_1724delinsTG (p.Ala575Cys)

Genes: ELN (elastin; plus strand), ELN-AS1 (ELN antisense RNA 1; minus strand). Cytogenetic location: 7q11.23.
Variant type: Indel.
Coding change: c.1723_1724delinsTG on transcript NM_000501.4 (MANE Select); coding-DNA positions 1723 to 1724, GC replaced by TG.
Protein change: p.Ala575Cys; replaces alanine 575 with cysteine.
Molecular consequence: missense variant.
Genome position (GRCh38, 1-based): chr7:74,060,477-74,060,478, GC replaced by TG. VCF-style: chr7-74060477-GC-TG. GRCh37 (hg19) VCF-style: chr7-73474807-GC-TG.
Other names: c.1636_1637delinsTG, p.Ala546Cys (NM_001081752.3); c.1681_1682delinsTG, p.Ala561Cys (NM_001081753.3); c.1738_1739delinsTG, p.Ala580Cys (NM_001081754.3); c.1666_1667delinsTG, p.Ala556Cys (NM_001081755.3); c.1723_1724delinsTG, p.Ala575Cys (NM_001278912.2); c.1480_1481delinsTG, p.Ala494Cys (NM_001278913.2); c.1651_1652delinsTG, p.Ala551Cys (NM_001278914.2); c.1741_1742delinsTG, p.Ala581Cys (NM_001278915.2); and 4 more; short protein forms A486C, A546C, A556C, A561C, A604C, A527C, A551C, A575C.
Identifiers: ClinVar variation 2694443 (VCV002694443.3), dbSNP rs2486323652, ClinGen allele CA2697557333.

ClinVar aggregate classification (germline): Uncertain significance (1 of 4 stars; one submission).

Conditions:
Supravalvar aortic stenosis (SVAS). Also called: Supravalvar aortic stenosis, Eisenberg type. Identifiers: Orphanet 3193, MedGen C0003499, MONDO:0008504, OMIM 185500, HP:0004381.

Submission:

Labcorp Genetics (formerly Invitae), Labcorp
Classification: Uncertain significance for Supravalvar aortic stenosis. Last evaluated: 2023-11-08. Review status: criteria provided, single submitter. Criteria: Invitae Variant Classification Sherloc (09022015). Collection method: clinical testing. Allele origin: germline.
Comment: This sequence change replaces alanine, which is neutral and non-polar, with cysteine, which is neutral and slightly polar, at codon 604 of the ELN protein (p.Ala604Cys). Information on the frequency of this variant in the gnomAD database is not available, as this variant may be reported differently in the database. This variant has not been reported in the literature in individuals affected with ELN-related conditions. Experimental studies and prediction algorithms are not available or were not evaluated, and the functional significance of this variant is currently unknown. In summary, the available evidence is currently insufficient to determine the role of this variant in disease. Therefore, it has been classified as a Variant of Uncertain Significance.